The following is an entry in ClinVar:

NM_020702.5(MYORG):c.1432C>T (p.Arg478Trp)

Gene: MYORG (myogenesis regulating glycosidase; minus strand). Cytogenetic location: 9p13.3.
Variant type: single nucleotide variant.
Coding change: c.1432C>T on transcript NM_020702.5 (MANE Select); coding-DNA position 1432, C replaced by T.
Protein change: p.Arg478Trp; replaces arginine 478 with tryptophan.
Molecular consequence: missense variant.
Genome position (GRCh38, 1-based): chr9:34,371,512, G>A on the plus strand (C>T on the coding strand, the complement: MYORG is on the minus strand). VCF-style: chr9-34371512-G-A. GRCh37 (hg19) VCF-style: chr9-34371510-G-A.
Other names: short protein forms R478W.
Identifiers: ClinVar variation 1681298 (VCV001681298.3), dbSNP rs776295497, ClinGen allele CA5032925.

ClinVar aggregate classification (germline): Uncertain significance (1 of 4 stars; one submission).

Allele frequency attached by ClinVar (database versions not stated): ExAC 0.00003; gnomAD 0.00003 and 0.00004; TOPMed 0.00004.

Submission:

Labcorp Genetics (formerly Invitae), Labcorp
Classification: Uncertain significance. Last evaluated: 2021-10-27. Review status: criteria provided, single submitter. Criteria: Invitae Variant Classification Sherloc (09022015). Collection method: clinical testing. Allele origin: germline.
Comment: This sequence change replaces arginine, a(n) basic and polar amino acid, with tryptophan, a(n) neutral and slightly polar amino acid, at codon 478 of the KIAA1161 protein (p.Arg478Trp). The frequency data for this variant in the population databases is considered unreliable, as metrics indicate poor data quality at this position in the gnomAD database. This variant has not been reported in the literature in individuals affected with KIAA1161-related conditions. Algorithms developed to predict the effect of missense changes on protein structure and function are either unavailable or do not agree on the potential impact of this missense change (SIFT: "Deleterious"; PolyPhen-2: "Not Available"; Align-GVGD: "Class C0"). In summary, the available evidence is currently insufficient to determine the role of this variant in disease. Therefore, it has been classified as a Variant of Uncertain Significance.